The following is an entry in ClinVar:

NM_001848.3(COL6A1):c.1675-55C>T

Gene: COL6A1 (collagen type VI alpha 1 chain; plus strand). Cytogenetic location: 21q22.3.
Variant type: single nucleotide variant.
Coding change: c.1675-55C>T on transcript NM_001848.3 (MANE Select); 55 bases into the intron before coding-DNA position 1675, C replaced by T.
Molecular consequence: intron variant.
Genome position (GRCh38, 1-based): chr21:45,999,098, C>T. VCF-style: chr21-45999098-C-T. GRCh37 (hg19) VCF-style: chr21-47419012-C-T.
Identifiers: ClinVar variation 93826 (VCV000093826.6), dbSNP rs4819179, ClinGen allele CA147338.
Genomic context (GRCh38, chr21:45,999,098, plus strand): 5'-GGACCCGCTTGGGGAGGCCTCATGGGCCCCGGCTGCTGGATGCTCTGTGGACGGGGCCAG[C>T]GCGCAGATGCCCGGGTGGTGCACGGTCTGTTGACACAACGCTGTTCCCTTCTAGAACAAC-3'

ClinVar aggregate classification (germline): Benign. Review status: criteria provided, multiple submitters, no conflicts (2 of 4 stars). 3 submissions from 3 submitters: Benign (3). Last evaluated 2018-06-14.

Allele frequency attached by ClinVar (database versions not stated): 1000 Genomes Project 0.28934; 1000 Genomes Project 30x 0.29575; gnomAD exomes 0.29761; gnomAD 0.33812 and 0.34598; ESP Exome Variant Server 0.34181; TOPMed 0.34845.
gnomAD v4.1: 465,996 of 1,548,464 alleles (30%); highest among the groups gnomAD compares: African/African-American, 48%; 72,490 homozygotes.

Submissions (3):

GeneDx
Classification: Benign. Last evaluated: 2018-06-14. Review status: criteria provided, single submitter. Criteria: GeneDx Variant Classification (06012015). Collection method: clinical testing. Allele origin: germline. Affected: yes.
Comment: This variant is considered likely benign or benign based on one or more of the following criteria: it is a conservative change, it occurs at a poorly conserved position in the protein, it is predicted to be benign by multiple in silico algorithms, and/or has population frequency not consistent with disease.

Eurofins Ntd Llc (ga)
Classification: Benign. Last evaluated: 2012-08-24. Review status: criteria provided, single submitter. Criteria: EGL Classification Definitions 2015. Collection method: clinical testing. Allele origin: germline. Observed: 1 variant allele, 1 heterozygote.

Breakthrough Genomics
Classification: Benign. Review status: criteria provided, single submitter. Criteria: ACMG Guidelines, 2015. Collection method: not provided. Allele origin: germline. Inheritance: Autosomal recessive inheritance. Affected: yes.